The following is an entry in ClinVar:

NM_002430.3(MN1):c.450C>T (p.Ala150=)

Gene: MN1 (MN1 proto-oncogene, transcriptional regulator; minus strand). Cytogenetic location: 22q12.1.
Variant type: single nucleotide variant.
Coding change: c.450C>T on transcript NM_002430.3 (MANE Select); coding-DNA position 450, C replaced by T.
Protein change: p.Ala150=; no amino-acid change (alanine 150 retained).
Molecular consequence: synonymous variant.
Genome position (GRCh38, 1-based): chr22:27,800,094, G>A on the plus strand (C>T on the coding strand, the complement: MN1 is on the minus strand). VCF-style: chr22-27800094-G-A. GRCh37 (hg19) VCF-style: chr22-28196082-G-A.
Identifiers: ClinVar variation 729871 (VCV000729871.11), dbSNP rs765084880, ClinGen allele CA10166568.

ClinVar aggregate classification (germline): Likely benign. Review status: criteria provided, multiple submitters, no conflicts (2 of 4 stars). 2 submissions from 2 submitters: Likely benign (2). Last evaluated 2026-09-01.

Allele frequency attached by ClinVar (database versions not stated): gnomAD 0.00003; TOPMed 0.00004.
gnomAD v4.1: 38 of 1,588,148 alleles (0.0024%); highest among the groups gnomAD compares: Admixed American, 0.063%; no homozygotes.

Submissions (2):

CeGaT Center for Human Genetics Tuebingen
Classification: Likely benign. Last evaluated: 2026-09-01. Review status: criteria provided, single submitter. Criteria: CeGaT Center For Human Genetics Tuebingen Variant Classification Criteria Version 2. Collection method: clinical testing. Allele origin: germline. Affected: yes. Observed: 2 variant alleles.
Comment: MN1: BP4, BP7

Labcorp Genetics (formerly Invitae), Labcorp
Classification: Likely benign. Last evaluated: 2019-12-31. Review status: criteria provided, single submitter. Criteria: Invitae Variant Classification Sherloc (09022015). Collection method: clinical testing. Allele origin: germline.